The following is an entry in ClinVar:

NM_001379659.1(ZNF142):c.3320C>T (p.Pro1107Leu)

Gene: ZNF142 (zinc finger protein 142; minus strand). Cytogenetic location: 2q35.
Variant type: single nucleotide variant.
Coding change: c.3320C>T on transcript NM_001379659.1 (MANE Select); coding-DNA position 3320, C replaced by T.
Protein change: p.Pro1107Leu; replaces proline 1107 with leucine.
Molecular consequence: missense variant.
Genome position (GRCh38, 1-based): chr2:218,643,796, G>A on the plus strand (C>T on the coding strand, the complement: ZNF142 is on the minus strand). VCF-style: chr2-218643796-G-A. GRCh37 (hg19) VCF-style: chr2-219508519-G-A.
Other names: c.2720C>T, p.Pro907Leu (NM_001105537.5, NM_001379662.1, NM_001366291.3); c.3320C>T, p.Pro1107Leu (NM_001379661.1, NM_001366290.3, NM_001379660.1); c.2231C>T, p.Pro744Leu (NM_001366287.3, NM_001366288.3, NM_001366289.3); short protein forms P1107L, P744L, P907L.
Identifiers: ClinVar variation 4881979 (VCV004881979.2).

ClinVar aggregate classification (germline): Uncertain significance (1 of 4 stars; one submission).

Conditions:
Neurodevelopmental disorder with impaired speech and hyperkinetic movements. Identifiers: MedGen C5193088, MONDO:0032741, OMIM 618425.

gnomAD v4.1: 42 of 1,611,658 alleles (0.0026%); highest among the groups gnomAD compares: Non-Finnish European, 0.0033%; no homozygotes.

Submission:

Dasa
Classification: Uncertain significance for Neurodevelopmental disorder with impaired speech and hyperkinetic movements. Last evaluated: 2025-08-30. Review status: criteria provided, single submitter. Criteria: DASA Assertion Criteria. Collection method: clinical testing. Allele origin: germline.
Comment: NM_001379659.1(ZNF142):c.3320C>T (p.Pro1107Leu) is a missense variant that results in the substitution of proline with leucine. This variant is rare in population databases. Computational prediction algorithms are consistent with a benign effect. The currently available literature and clinical evidence are not sufficient to establish a definitive association between this variant and the reported condition. Therefore, this variant is classified as a variant of uncertain significance.